The following is an entry in ClinVar:

ClinVar aggregate classification (germline): Uncertain significance. Review status: criteria provided, multiple submitters, no conflicts (2 of 4 stars). 2 submissions from 2 submitters: Uncertain significance (2). Last evaluated 2025-11-01.

Conditions:
Hypertrophic cardiomyopathy. Also called: HYPERTROPHIC MYOCARDIOPATHY. Identifiers: Orphanet 217569, MedGen C0007194, MeSH D002312, MONDO:0005045, HP:0001639.
Cardiomyopathy (CMYO). Also called: Cardiomyopathies. Identifiers: Orphanet 167848, MedGen C0878544, MONDO:0004994, HP:0001638. Inheritance: Various modes of inheritance.

Submissions (2):

Labcorp Genetics (formerly Invitae), Labcorp
Classification: Uncertain significance for Hypertrophic cardiomyopathy. Last evaluated: 2025-11-01. Review status: criteria provided, single submitter. Criteria: Invitae Variant Classification Sherloc (09022015). Collection method: clinical testing. Allele origin: germline.
Comment: This sequence change replaces glutamic acid, which is acidic and polar, with lysine, which is basic and polar, at codon 1117 of the MYH7 protein (p.Glu1117Lys). This variant is not present in population databases (gnomAD no frequency). This variant has not been reported in the literature in individuals affected with MYH7-related conditions. ClinVar contains an entry for this variant (Variation ID: 1329409). Invitae Evidence Modeling of protein sequence and biophysical properties (such as structural, functional, and spatial information, amino acid conservation, physicochemical variation, residue mobility, and thermodynamic stability) indicates that this missense variant is expected to disrupt MYH7 protein function with a positive predictive value of 95%. In summary, the available evidence is currently insufficient to determine the role of this variant in disease. Therefore, it has been classified as a Variant of Uncertain Significance.

CHEO Genetics Diagnostic Laboratory, Children's Hospital of Eastern Ontario
Classification: Uncertain significance for Cardiomyopathy. Last evaluated: 2021-05-27. Review status: criteria provided, single submitter. Criteria: ACMG Guidelines, 2015. Collection method: clinical testing. Allele origin: germline.

NM_000257.4(MYH7):c.3349G>A (p.Glu1117Lys)

Gene: MYH7 (myosin heavy chain 7; minus strand). Cytogenetic location: 14q11.2.
Variant type: single nucleotide variant.
Coding change: c.3349G>A on transcript NM_000257.4 (MANE Select); coding-DNA position 3349, G replaced by A.
Protein change: p.Glu1117Lys; replaces glutamic acid 1117 with lysine.
Molecular consequence: missense variant.
Genome position (GRCh38, 1-based): chr14:23,420,222, C>T on the plus strand (G>A on the coding strand, the complement: MYH7 is on the minus strand). VCF-style: chr14-23420222-C-T. GRCh37 (hg19) VCF-style: chr14-23889431-C-T.
Other names: short protein forms E1117K.
Identifiers: ClinVar variation 1329409 (VCV001329409.3), dbSNP rs141735183, ClinGen allele CA389044187.